The following is an entry in ClinVar:

NM_020778.5(ALPK3):c.439G>T (p.Ala147Ser)

Gene: ALPK3 (alpha kinase 3; plus strand). Cytogenetic location: 15q25.3.
Variant type: single nucleotide variant.
Coding change: c.439G>T on transcript NM_020778.5 (MANE Select); coding-DNA position 439, G replaced by T.
Protein change: p.Ala147Ser; replaces alanine 147 with serine.
Molecular consequence: missense variant.
Genome position (GRCh38, 1-based): chr15:84,839,718, G>T. VCF-style: chr15-84839718-G-T. GRCh37 (hg19) VCF-style: chr15-85382949-G-T.
Other names: short protein forms A147S.
Identifiers: ClinVar variation 2840728 (VCV002840728.3), dbSNP rs1350523825, ClinGen allele CA393372476.

ClinVar aggregate classification (germline): Uncertain significance (1 of 4 stars; one submission).

Submission:

Labcorp Genetics (formerly Invitae), Labcorp
Classification: Uncertain significance. Last evaluated: 2023-06-24. Review status: criteria provided, single submitter. Criteria: Invitae Variant Classification Sherloc (09022015). Collection method: clinical testing. Allele origin: germline.
Comment: This sequence change replaces alanine, which is neutral and non-polar, with serine, which is neutral and polar, at codon 349 of the ALPK3 protein (p.Ala349Ser). This variant is not present in population databases (gnomAD no frequency). This variant has not been reported in the literature in individuals affected with ALPK3-related conditions. An algorithm developed to predict the effect of missense changes on protein structure and function (PolyPhen-2) suggests that this variant is likely to be disruptive. In summary, the available evidence is currently insufficient to determine the role of this variant in disease. Therefore, it has been classified as a Variant of Uncertain Significance.